The following is an entry in ClinVar:

ClinVar aggregate classification (germline): Pathogenic (1 of 4 stars; one submission).

Conditions:
RYR1-related disorder. Also called: RYR1-related disorders; RYR1-related condition. Identifiers: MedGen CN239331.

Submission:

Labcorp Genetics (formerly Invitae), Labcorp
Classification: Pathogenic for RYR1-related disorder. Last evaluated: 2019-01-18. Review status: criteria provided, single submitter. Criteria: Invitae Variant Classification Sherloc (09022015). Collection method: clinical testing. Allele origin: germline.
Comment: For these reasons, this variant has been classified as Pathogenic. Loss-of-function variants in RYR1 are known to be pathogenic (PMID: 20583297, 20839240, 23919265, 28818389). This variant has not been reported in the literature in individuals with RYR1-related conditions. This variant is not present in population databases (ExAC no frequency). This sequence change creates a premature translational stop signal (p.Phe4632Serfs*16) in the RYR1 gene. It is expected to result in an absent or disrupted protein product.

Literature cited by the submitters: PubMed 20583297; PubMed 20839240; PubMed 23919265; PubMed 28818389.

NM_000540.3(RYR1):c.13895del (p.Phe4632fs)

Gene: RYR1 (ryanodine receptor 1; plus strand). Cytogenetic location: 19q13.2.
Variant type: Deletion.
Coding change: c.13895del on transcript NM_000540.3 (MANE Select); coding-DNA position 13895, one base deleted (T; older notation c.13895delT).
Protein change: p.Phe4632fs; shifts the reading frame from phenylalanine 4632.
Molecular consequence: frameshift variant.
Genome position (GRCh38, 1-based): chr19:38,572,167, T deleted; the last of 2 consecutive T bases (chr19:38,572,166-38,572,167); deleting either gives the same sequence. VCF-style (leftmost placement, unchanged base first): chr19-38572165-CT-C. GRCh37 (hg19) VCF-style: chr19-39062805-CT-C.
Other names: c.13880del, p.Phe4627fs (NM_001042723.2); short protein forms F4627fs, F4632fs.
Identifiers: ClinVar variation 851818 (VCV000851818.7), dbSNP rs1973745447, ClinGen allele CA916082462.